The following is an entry in ClinVar:

NM_017763.6(RNF43):c.2305C>G (p.Pro769Ala)

Gene: RNF43 (ring finger protein 43; minus strand). Cytogenetic location: 17q22.
Variant type: single nucleotide variant.
Coding change: c.2305C>G on transcript NM_017763.6 (MANE Select); coding-DNA position 2305, C replaced by G.
Protein change: p.Pro769Ala; replaces proline 769 with alanine.
Molecular consequence: missense variant.
Genome position (GRCh38, 1-based): chr17:58,357,471, G>C on the plus strand (C>G on the coding strand, the complement: RNF43 is on the minus strand). VCF-style: chr17-58357471-G-C. GRCh37 (hg19) VCF-style: chr17-56434832-G-C.
Other names: c.2305C>G, p.Pro769Ala (NM_001305544.3); c.1924C>G, p.Pro642Ala (NM_001305545.2); short protein forms P642A, P769A.
Identifiers: ClinVar variation 1021879 (VCV001021879.9), dbSNP rs769450192, ClinGen allele CA8673033.

ClinVar aggregate classification (germline): Uncertain significance. Review status: criteria provided, multiple submitters, no conflicts (2 of 4 stars). 4 submissions from 4 submitters: Uncertain significance (4). Last evaluated 2025-02-12.

Conditions:
Sessile serrated polyposis cancer syndrome (SSPCS). Identifiers: Orphanet 157798, MedGen C4310714, MONDO:0014919, OMIM 617108.

Allele frequency attached by ClinVar (database versions not stated): gnomAD below 0.00001 and 0.00001; ExAC 0.00002; gnomAD exomes 0.00002 and 0.00003.
gnomAD v4.1: 48 of 1,614,016 alleles (0.003%); highest among the groups gnomAD compares: South Asian, 0.043%; no homozygotes.

Submissions (4):

Labcorp Genetics (formerly Invitae), Labcorp
Classification: Uncertain significance. Last evaluated: 2025-02-12. Review status: criteria provided, single submitter. Criteria: Invitae Variant Classification Sherloc (09022015). Collection method: clinical testing. Allele origin: germline.
Comment: This sequence change replaces proline, which is neutral and non-polar, with alanine, which is neutral and non-polar, at codon 769 of the RNF43 protein (p.Pro769Ala). This variant is present in population databases (rs769450192, gnomAD 0.02%). This variant has not been reported in the literature in individuals affected with RNF43-related conditions. ClinVar contains an entry for this variant (Variation ID: 1021879). An algorithm developed to predict the effect of missense changes on protein structure and function (PolyPhen-2) suggests that this variant is likely to be tolerated. In summary, the available evidence is currently insufficient to determine the role of this variant in disease. Therefore, it has been classified as a Variant of Uncertain Significance.

Ambry Genetics
Classification: Uncertain significance. Last evaluated: 2024-12-12. Review status: criteria provided, single submitter. Criteria: Ambry Variant Classification Scheme 2023. Collection method: clinical testing. Allele origin: germline.
Comment: The p.P769A variant (also known as c.2305C>G), located in coding exon 8 of the RNF43 gene, results from a C to G substitution at nucleotide position 2305. The proline at codon 769 is replaced by alanine, an amino acid with highly similar properties. This amino acid position is conserved. In addition, this alteration is predicted to be tolerated by in silico analysis. Based on the available evidence, the clinical significance of this variant remains unclear.

Revvity Omics, Revvity
Classification: Uncertain significance for Sessile serrated polyposis cancer syndrome. Last evaluated: 2024-03-19. Review status: criteria provided, single submitter. Criteria: ACMG Guidelines, 2015. Collection method: clinical testing. Allele origin: germline.

Breakthrough Genomics
Classification: Uncertain significance. Review status: criteria provided, single submitter. Criteria: ACMG Guidelines, 2015. Collection method: not provided. Allele origin: germline. Inheritance: Autosomal dominant inheritance. Affected: yes.